The following is an entry in ClinVar:

ClinVar aggregate classification (germline): Uncertain significance. Review status: criteria provided, multiple submitters, no conflicts (2 of 4 stars). 2 submissions from 2 submitters: Uncertain significance (2). Last evaluated 2026-01-12.

Allele frequency attached by ClinVar (database versions not stated): gnomAD exomes 0.00001 and 0.00004; gnomAD 0.00002; TOPMed 0.00002.
gnomAD v4.1: 62 of 1,613,792 alleles (0.0038%); highest among the groups gnomAD compares: Non-Finnish European, 0.0047%; no homozygotes.

Submissions (2):

Women's Health and Genetics/Laboratory Corporation of America, LabCorp
Classification: Uncertain significance. Last evaluated: 2026-01-12. Review status: criteria provided, single submitter. Criteria: LabCorp Variant Classification Summary - May 2015. Collection method: clinical testing. Allele origin: germline.
Comment: Variant summary: COL7A1 c.4934C>T (p.Pro1645Leu) results in a non-conservative amino acid change in the encoded protein sequence. Algorithms developed to predict the effect of missense changes on protein structure and function all suggest that this variant is likely to be disruptive. Consensus agreement among computation tools predict no significant impact on normal splicing. However, these predictions have yet to be confirmed by functional studies. The variant allele was found at a frequency of 1.2e-05 in 251228 control chromosomes. The available data on variant occurrences in the general population are insufficient to allow any conclusion about variant significance. To our knowledge, no occurrence of c.4934C>T in individuals affected with COL7A1-related conditions and no experimental evidence demonstrating its impact on protein function have been reported. ClinVar contains an entry for this variant (Variation ID: 1425062). Based on the evidence outlined above, the variant was classified as uncertain significance.

Labcorp Genetics (formerly Invitae), Labcorp
Classification: Uncertain significance. Last evaluated: 2025-11-21. Review status: criteria provided, single submitter. Criteria: Invitae Variant Classification Sherloc (09022015). Collection method: clinical testing. Allele origin: germline.
Comment: This sequence change replaces proline, which is neutral and non-polar, with leucine, which is neutral and non-polar, at codon 1645 of the COL7A1 protein (p.Pro1645Leu). This variant is present in population databases (rs764468586, gnomAD 0.003%). This variant has not been reported in the literature in individuals affected with COL7A1-related conditions. ClinVar contains an entry for this variant (Variation ID: 1425062). Invitae Evidence Modeling of protein sequence and biophysical properties (such as structural, functional, and spatial information, amino acid conservation, physicochemical variation, residue mobility, and thermodynamic stability) has been performed for this missense variant. However, the output from this modeling did not meet the statistical confidence thresholds required to predict the impact of this variant on COL7A1 protein function. In summary, the available evidence is currently insufficient to determine the role of this variant in disease. Therefore, it has been classified as a Variant of Uncertain Significance.

NM_000094.4(COL7A1):c.4934C>T (p.Pro1645Leu)

Gene: COL7A1 (collagen type VII alpha 1 chain; minus strand). Cytogenetic location: 3p21.31.
Variant type: single nucleotide variant.
Coding change: c.4934C>T on transcript NM_000094.4 (MANE Select); coding-DNA position 4934, C replaced by T.
Protein change: p.Pro1645Leu; replaces proline 1645 with leucine.
Molecular consequence: missense variant.
Genome position (GRCh38, 1-based): chr3:48,581,123, G>A on the plus strand (C>T on the coding strand, the complement: COL7A1 is on the minus strand). VCF-style: chr3-48581123-G-A. GRCh37 (hg19) VCF-style: chr3-48618556-G-A.
Other names: short protein forms P1645L.
Identifiers: ClinVar variation 1425062 (VCV001425062.9), dbSNP rs764468586, ClinGen allele CA73979257.
Genomic context (GRCh38, chr3:48,581,123, plus strand): 5'-CTACTGGGATCCTAGTTCAAGGGTAAAGGATCAGAAACCACAGTGGGAAGGAGTCTCACC[G>A]GAGGACCCTCGTCACCTTTCTCTCCAACTTCACCCTGTGAAACATGAGAGTCAGCCCTGG-3'
Protein context (NP_000085.1, residues 1635-1655): EVGEKGDEGP[Pro1645Leu]GDPGLPGKAG